The following is an entry in ClinVar:

ClinVar aggregate classification (germline): Uncertain significance. Review status: criteria provided, multiple submitters, no conflicts (2 of 4 stars). 7 submissions from 7 submitters: Uncertain significance (7). Last evaluated 2026-08-03.

Conditions:
Cardiovascular phenotype. Identifiers: MedGen CN230736.
Hypertrophic cardiomyopathy 14. Identifiers: MedGen C2750467, MONDO:0013197, OMIM 613251.
MYH6-related disorder. Also called: MYH6-related condition; MYH6-Related Disorders.
Dilated cardiomyopathy 1EE (CMD1EE). Identifiers: Orphanet 154, MedGen C2750466, MONDO:0013198, OMIM 613252.
Hypertrophic cardiomyopathy 1 (CMH1). Also called: Familial hypertrophic cardiomyopathy 1; MYH7-Related Familial Hypertrophic Cardiomyopathy. Identifiers: MedGen C3495498, MONDO:0008647, OMIM 192600.
Sick sinus syndrome 3, susceptibility to (SSS3). Identifiers: Orphanet 166282, MedGen C3279791, MONDO:0013568, OMIM 614090.
Atrial septal defect 3 (ASD3). Identifiers: Orphanet 1478, MedGen C3279790, MONDO:0013567, OMIM 614089.

Allele frequency attached by ClinVar (database versions not stated): ExAC 0.00002; gnomAD exomes 0.00002 and 0.00003; TOPMed 0.00002.
gnomAD v4.1: 49 of 1,609,202 alleles (0.003%); highest among the groups gnomAD compares: East Asian, 0.0067%; no homozygotes.

Submissions (7):

PreventionGenetics, part of Exact Sciences
Classification: Uncertain significance for MYH6-related condition. Last evaluated: 2026-08-03. Review status: criteria provided, single submitter. Criteria: ACMG Guidelines, 2015. Collection method: clinical testing. Allele origin: germline.
Comment: The MYH6 c.5660C>T variant is predicted to result in the amino acid substitution p.Ala1887Val. To our knowledge, this variant has not been reported in the literature in individuals with MYH6-related disorders. This variant is reported in 0.0050% of alleles in individuals of East Asian descent in gnomAD. At this time, the clinical significance of this variant is uncertain due to the absence of conclusive functional and genetic evidence.

Labcorp Genetics (formerly Invitae), Labcorp
Classification: Uncertain significance for Hypertrophic cardiomyopathy 14. Last evaluated: 2025-08-18. Review status: criteria provided, single submitter. Criteria: Invitae Variant Classification Sherloc (09022015). Collection method: clinical testing. Allele origin: germline.
Comment: This sequence change replaces alanine, which is neutral and non-polar, with valine, which is neutral and non-polar, at codon 1887 of the MYH6 protein (p.Ala1887Val). This variant is present in population databases (rs767096302, gnomAD 0.005%). This variant has not been reported in the literature in individuals affected with MYH6-related conditions. ClinVar contains an entry for this variant (Variation ID: 520363). An algorithm developed to predict the effect of missense changes on protein structure and function (PolyPhen-2) suggests that this variant is likely to be disruptive. In summary, the available evidence is currently insufficient to determine the role of this variant in disease. Therefore, it has been classified as a Variant of Uncertain Significance.

Institute of Immunology and Genetics Kaiserslautern
Classification: Uncertain significance for Hypertrophic cardiomyopathy 14. Last evaluated: 2025-02-27. Review status: criteria provided, single submitter. Criteria: ACMG Guidelines, 2015. Collection method: clinical testing. Allele origin: germline. Affected: yes.
Comment: ACMG Criteria: PM2_P, PP3 ; Variant was found in heterozygous state.

Ambry Genetics
Classification: Uncertain significance for Cardiovascular phenotype. Last evaluated: 2023-10-27. Review status: criteria provided, single submitter. Criteria: Ambry Variant Classification Scheme 2023. Collection method: clinical testing. Allele origin: germline.
Comment: The p.A1887V variant (also known as c.5660C>T), located in coding exon 35 of the MYH6 gene, results from a C to T substitution at nucleotide position 5660. The alanine at codon 1887 is replaced by valine, an amino acid with similar properties. This amino acid position is highly conserved in available vertebrate species. In addition, the in silico prediction for this alteration is inconclusive. Since supporting evidence is limited at this time, the clinical significance of this alteration remains unclear.

AiLife Diagnostics
Classification: Uncertain significance. Last evaluated: 2021-11-09. Review status: criteria provided, single submitter. Criteria: ACMG Guidelines, 2015. Collection method: clinical testing. Allele origin: germline. Affected: yes. Observed: 1 variant allele.

Fulgent Genetics
Classification: Uncertain significance for Hypertrophic cardiomyopathy 1; Hypertrophic cardiomyopathy 14; Dilated cardiomyopathy 1EE; Atrial septal defect 3; Sick sinus syndrome 3, susceptibility to. Last evaluated: 2021-07-27. Review status: criteria provided, single submitter. Criteria: ACMG Guidelines, 2015. Collection method: clinical testing. Allele origin: unknown.

Women's Health and Genetics/Laboratory Corporation of America, LabCorp
Classification: Uncertain significance. Last evaluated: 2019-03-21. Review status: criteria provided, single submitter. Criteria: LabCorp Variant Classification Summary - May 2015. Collection method: clinical testing. Allele origin: germline.
Comment: Variant summary: MYH6 c.5660C>T (p.Ala1887Val) results in a non-conservative amino acid change located in the Myosin tail domain of the encoded protein sequence. Five of five in-silico tools predict a damaging effect of the variant on protein function. The variant is also located at the second to last 3' position of exon 37 and 4/5 computational tools predict no significant impact on normal splicing. However, these predictions have yet to be confirmed by functional studies. The variant allele was found at a frequency of 1.8e-05 in 277100 control chromosomes (gnomAD). The available data on variant occurrences in the general population are insufficient to allow any conclusion about variant significance. To our knowledge, no occurrence of c.5660C>T in individuals affected with Cardiomyopathy and no experimental evidence demonstrating its impact on protein function have been reported. A ClinVar submission from a clinical diagnostic laboratory (evaluation after 2014) cites the variant as uncertain significance. Based on the evidence outlined above, the variant was classified as uncertain significance.

Literature cited by the submitters: PubMed 25961944 (cited by Ambry Genetics).

NM_002471.4(MYH6):c.5660C>T (p.Ala1887Val)

Gene: MYH6 (myosin heavy chain 6; minus strand). Cytogenetic location: 14q11.2.
Variant type: single nucleotide variant.
Coding change: c.5660C>T on transcript NM_002471.4 (MANE Select); coding-DNA position 5660, C replaced by T.
Protein change: p.Ala1887Val; replaces alanine 1887 with valine.
Molecular consequence: missense variant.
Genome position (GRCh38, 1-based): chr14:23,383,226, G>A on the plus strand (C>T on the coding strand, the complement: MYH6 is on the minus strand). VCF-style: chr14-23383226-G-A. GRCh37 (hg19) VCF-style: chr14-23852435-G-A.
Other names: short protein forms A1887V.
Identifiers: ClinVar variation 520363 (VCV000520363.15), dbSNP rs767096302, ClinGen allele CA7114323.